The following is an entry in ClinVar:

NM_002225.5(IVD):c.723C>T (p.Asp241=)

Gene: IVD (isovaleryl-CoA dehydrogenase; plus strand). Cytogenetic location: 15q15.1.
Variant type: single nucleotide variant.
Coding change: c.723C>T on transcript NM_002225.5 (MANE Select); coding-DNA position 723, C replaced by T.
Protein change: p.Asp241=; no amino-acid change (aspartic acid 241 retained).
Molecular consequence: synonymous variant. On other transcripts: non-coding transcript variant (1).
Genome position (GRCh38, 1-based): chr15:40,413,026, C>T. VCF-style: chr15-40413026-C-T. GRCh37 (hg19) VCF-style: chr15-40705225-C-T.
Other names: c.633C>T, p.Asp211= (NM_001159508.3); c.675C>T, p.Asp225= (NM_001354597.3); c.723C>T, p.Asp241= (NM_001354598.3, NM_001354601.3); c.810C>T, p.Asp270= (NM_001354599.3, NM_001354600.3).
Identifiers: ClinVar variation 94057 (VCV000094057.26), dbSNP rs2229312, ClinGen allele CA147573.

ClinVar aggregate classification (germline): Benign. Review status: criteria provided, multiple submitters, no conflicts (2 of 4 stars). 9 submissions from 9 submitters: Benign (8). 1 of the submissions does not count toward it. Last evaluated 2026-02-04.

Conditions:
Isovaleryl-CoA dehydrogenase deficiency (IVA). Also called: IVD DEFICIENCY; Isovaleric acidemia; Classic Isovaleric Acidemia; ISOVALERIC ACID CoA DEHYDROGENASE DEFICIENCY. Identifiers: Orphanet 33, MedGen C0268575, MONDO:0009475, OMIM 243500.

Allele frequency attached by ClinVar (database versions not stated): 1000 Genomes Project 30x 0.07808; 1000 Genomes Project 0.07907; TOPMed 0.10328; gnomAD exomes 0.11488 and 0.12701; gnomAD 0.11573 and 0.11757; ExAC 0.11642; ESP Exome Variant Server 0.11879.
gnomAD v4.1: 203,066 of 1,612,232 alleles (13%); highest among the groups gnomAD compares: Non-Finnish European, 13%; 13,670 homozygotes.

Submissions (9):

Labcorp Genetics (formerly Invitae), Labcorp
Classification: Benign for Isovaleryl-CoA dehydrogenase deficiency. Last evaluated: 2026-02-04. Review status: criteria provided, single submitter. Criteria: Invitae Variant Classification Sherloc (09022015). Collection method: clinical testing. Allele origin: germline.

Women's Health and Genetics/Laboratory Corporation of America, LabCorp
Classification: Benign. Last evaluated: 2025-11-10. Review status: criteria provided, single submitter. Criteria: LabCorp Variant Classification Summary - May 2015. Collection method: clinical testing. Allele origin: germline.

Genome-Nilou Lab
Classification: Benign for Isovaleryl-CoA dehydrogenase deficiency. Last evaluated: 2021-07-01. Review status: criteria provided, single submitter. Criteria: ACMG Guidelines, 2015. Collection method: clinical testing. Allele origin: germline. Affected: no.

Illumina Laboratory Services, Illumina
Classification: Benign for Isovaleryl-CoA dehydrogenase deficiency. Last evaluated: 2018-01-13. Review status: criteria provided, single submitter. Criteria: ICSL Variant Classification Criteria 13 December 2019. Collection method: clinical testing. Allele origin: germline.
Comment: This variant was observed in the ICSL laboratory as part of a predisposition screen in an ostensibly healthy population. It had not been previously curated by ICSL or reported in the Human Gene Mutation Database (HGMD: prior to June 1st, 2018), and was therefore a candidate for classification through an automated scoring system. Utilizing variant allele frequency, disease prevalence and penetrance estimates, and inheritance mode, an automated score was calculated to assess if this variant is too frequent to cause the disease. Based on the score and internal cut-off values, a variant classified as benign is not then subjected to further curation. The score for this variant resulted in a classification of benign for this disease.

Eurofins Ntd Llc (ga)
Classification: Benign. Last evaluated: 2017-08-29. Review status: criteria provided, single submitter. Criteria: EGL Classification Definitions 2015. Collection method: clinical testing. Allele origin: germline. Observed: 14 variant alleles, 11 heterozygotes, 3 homozygotes.

GeneDx
Classification: Benign. Last evaluated: 2015-03-03. Review status: criteria provided, single submitter. Criteria: GeneDx Variant Classification Process June 2021. Collection method: clinical testing. Allele origin: germline. Affected: yes.

Breakthrough Genomics
Classification: Benign. Review status: criteria provided, single submitter. Criteria: ACMG Guidelines, 2015. Collection method: not provided. Allele origin: germline. Inheritance: Autosomal recessive inheritance. Affected: yes.

PreventionGenetics, part of Exact Sciences
Classification: Benign. Review status: criteria provided, single submitter. Criteria: ACMG Guidelines, 2015. Collection method: clinical testing. Allele origin: germline.

Natera, Inc.
Classification: Benign for Isovaleryl-coa dehydrogenase deficiency. Last evaluated: 2017-04-25. Review status: no assertion criteria provided. Collection method: clinical testing. Allele origin: germline. Not counted in ClinVar's aggregate classification.